The following is an entry in ClinVar:

NM_024753.5(TTC21B):c.711-2A>C

Gene: TTC21B (tetratricopeptide repeat domain 21B; minus strand). Cytogenetic location: 2q24.3.
Variant type: single nucleotide variant.
Coding change: c.711-2A>C on transcript NM_024753.5 (MANE Select); the canonical splice acceptor site of the intron before coding-DNA position 711, A replaced by C.
Molecular consequence: splice acceptor variant.
Genome position (GRCh38, 1-based): chr2:165,933,059, T>G on the plus strand (A>C on the coding strand, the complement: TTC21B is on the minus strand). VCF-style: chr2-165933059-T-G. GRCh37 (hg19) VCF-style: chr2-166789569-T-G.
Identifiers: ClinVar variation 1519295 (VCV001519295.6), dbSNP rs1686972152, ClinGen allele CA349049323.

ClinVar aggregate classification (germline): Likely pathogenic (1 of 4 stars; one submission).

Conditions:
Nephronophthisis. Also called: Juvenile Nephronophthisis. Identifiers: Orphanet 655, MedGen C0687120, MONDO:0019005, HP:0000090.
Jeune thoracic dystrophy. Also called: Jeune syndrome; Infantile thoracic dystrophy; Thoracic pelvic phalangeal dystrophy; Jeune's syndrome; Chondroectodermal dysplasia-like syndrome; Short-rib thoracic dysplasia. Identifiers: Orphanet 474, MedGen C0265275, MONDO:0018770.

Allele frequency attached by ClinVar (database versions not stated): TOPMed 0.00001.

Submission:

Labcorp Genetics (formerly Invitae), Labcorp
Classification: Likely pathogenic for Jeune thoracic dystrophy; Nephronophthisis. Last evaluated: 2021-11-03. Review status: criteria provided, single submitter. Criteria: Invitae Variant Classification Sherloc (09022015). Collection method: clinical testing. Allele origin: germline.
Comment: In summary, the currently available evidence indicates that the variant is pathogenic, but additional data are needed to prove that conclusively. Therefore, this variant has been classified as Likely Pathogenic. Algorithms developed to predict the effect of sequence changes on RNA splicing suggest that this variant may disrupt the consensus splice site. This variant has not been reported in the literature in individuals affected with TTC21B-related conditions. This variant is not present in population databases (gnomAD no frequency). This sequence change affects an acceptor splice site in intron 6 of the TTC21B gene. It is expected to disrupt RNA splicing. Variants that disrupt the donor or acceptor splice site typically lead to a loss of protein function (PMID: 16199547), and loss-of-function variants in TTC21B are known to be pathogenic (PMID: 18327258, 21068128, 21258341, 23559409, 24876116, 25492405, 27491411, 29068549).

Literature cited by the submitters: PubMed 16199547; PubMed 18327258; PubMed 21068128; PubMed 21258341; PubMed 23559409; PubMed 24876116; PubMed 25492405; PubMed 27491411; PubMed 29068549.